The following is an entry in ClinVar:

NM_020822.3(KCNT1):c.2213C>T (p.Pro738Leu)

Gene: KCNT1 (potassium sodium-activated channel subfamily T member 1; plus strand). Cytogenetic location: 9q34.3.
Variant type: single nucleotide variant.
Coding change: c.2213C>T on transcript NM_020822.3 (MANE Select); coding-DNA position 2213, C replaced by T.
Protein change: p.Pro738Leu; replaces proline 738 with leucine.
Molecular consequence: missense variant.
Genome position (GRCh38, 1-based): chr9:135,772,919, C>T. VCF-style: chr9-135772919-C-T. GRCh37 (hg19) VCF-style: chr9-138664765-C-T.
Other names: c.2078C>T, p.Pro693Leu (NM_001272003.2); short protein forms P693L, P738L.
Identifiers: ClinVar variation 1011542 (VCV001011542.7), dbSNP rs760032575, ClinGen allele CA5327210.

ClinVar aggregate classification (germline): Uncertain significance (1 of 4 stars; one submission).

Conditions:
Autosomal dominant nocturnal frontal lobe epilepsy 5. Also called: KCNT1-Related Epilepsy; CILIARY DYSKINESIA, PRIMARY, 28, WITHOUT SITUS INVERSUS; CILIARY DYSKINESIA, PRIMARY, 28, WITH SITUS INVERSUS; Epilepsy, nocturnal frontal lobe, 5. Identifiers: Orphanet 98784, MedGen C3554306, MONDO:0014002, OMIM 615005.
Developmental and epileptic encephalopathy, 14 (DEE14). Also called: Early infantile epileptic encephalopathy 14. Identifiers: Orphanet 293181, MedGen C3554195, MONDO:0013989, OMIM 614959.

Allele frequency attached by ClinVar (database versions not stated): gnomAD 0.00002 and 0.00003; gnomAD exomes 0.00003; TOPMed 0.00003; ExAC 0.00007.
gnomAD v4.1: 40 of 1,525,890 alleles (0.0026%); highest among the groups gnomAD compares: Non-Finnish European, 0.0032%; no homozygotes.

Submission:

Labcorp Genetics (formerly Invitae), Labcorp
Classification: Uncertain significance for Autosomal dominant nocturnal frontal lobe epilepsy 5; Developmental and epileptic encephalopathy, 14. Last evaluated: 2025-12-09. Review status: criteria provided, single submitter. Criteria: Invitae Variant Classification Sherloc (09022015). Collection method: clinical testing. Allele origin: germline.
Comment: This sequence change replaces proline, which is neutral and non-polar, with leucine, which is neutral and non-polar, at codon 738 of the KCNT1 protein (p.Pro738Leu). The frequency data for this variant in the population databases is considered unreliable, as metrics indicate poor data quality at this position in the gnomAD database. This variant has not been reported in the literature in individuals affected with KCNT1-related conditions. ClinVar contains an entry for this variant (Variation ID: 1011542). Invitae Evidence Modeling of protein sequence and biophysical properties (such as structural, functional, and spatial information, amino acid conservation, physicochemical variation, residue mobility, and thermodynamic stability) indicates that this missense variant is not expected to disrupt KCNT1 protein function with a negative predictive value of 80%. In summary, the available evidence is currently insufficient to determine the role of this variant in disease. Therefore, it has been classified as a Variant of Uncertain Significance.